The following is an entry in ClinVar:

NM_000944.5(PPP3CA):c.1007G>C (p.Cys336Ser)

Gene: PPP3CA (protein phosphatase 3 catalytic subunit alpha; minus strand). Cytogenetic location: 4q24.
Variant type: single nucleotide variant.
Coding change: c.1007G>C on transcript NM_000944.5 (MANE Select); coding-DNA position 1007, G replaced by C.
Protein change: p.Cys336Ser; replaces cysteine 336 with serine.
Molecular consequence: missense variant. On other transcripts: intron variant (1).
Genome position (GRCh38, 1-based): chr4:101,063,306, C>G on the plus strand (G>C on the coding strand, the complement: PPP3CA is on the minus strand). VCF-style: chr4-101063306-C-G. GRCh37 (hg19) VCF-style: chr4-101984463-C-G.
Other names: c.1007G>C, p.Cys336Ser (NM_001130691.2); c.956-2145G>C (NM_001130692.2); short protein forms C336S.
Identifiers: ClinVar variation 2133197 (VCV002133197.4), dbSNP rs2110226681, ClinGen allele CA357948926.

ClinVar aggregate classification (germline): Uncertain significance (1 of 4 stars; one submission).

Allele frequency attached by ClinVar (database versions not stated): gnomAD exomes below 0.00001.
gnomAD v4.1: 1 of 1,611,184 alleles (0.000062%); highest among the groups gnomAD compares: Non-Finnish European, 0.000085%; no homozygotes.

Submission:

Labcorp Genetics (formerly Invitae), Labcorp
Classification: Uncertain significance. Last evaluated: 2025-06-03. Review status: criteria provided, single submitter. Criteria: Invitae Variant Classification Sherloc (09022015). Collection method: clinical testing. Allele origin: germline.
Comment: This sequence change replaces cysteine, which is neutral and slightly polar, with serine, which is neutral and polar, at codon 336 of the PPP3CA protein (p.Cys336Ser). This variant is not present in population databases (gnomAD no frequency). This variant has not been reported in the literature in individuals affected with PPP3CA-related conditions. ClinVar contains an entry for this variant (Variation ID: 2133197). Invitae Evidence Modeling of protein sequence and biophysical properties (such as structural, functional, and spatial information, amino acid conservation, physicochemical variation, residue mobility, and thermodynamic stability) indicates that this missense variant is not expected to disrupt PPP3CA protein function with a negative predictive value of 80%. In summary, the available evidence is currently insufficient to determine the role of this variant in disease. Therefore, it has been classified as a Variant of Uncertain Significance.